The following is an entry in ClinVar:

NM_002693.3(POLG):c.578G>C (p.Arg193Pro)

Genes: POLG (DNA polymerase gamma, catalytic subunit; minus strand), POLGARF (POLG alternative reading frame; minus strand). Cytogenetic location: 15q26.1.
Variant type: single nucleotide variant.
Coding change: c.578G>C on transcript NM_002693.3 (MANE Select); coding-DNA position 578, G replaced by C.
Protein change: p.Arg193Pro; replaces arginine 193 with proline.
Molecular consequence: missense variant.
Genome position (GRCh38, 1-based): chr15:89,333,177, C>G on the plus strand (G>C on the coding strand, the complement: POLG is on the minus strand). VCF-style: chr15-89333177-C-G. GRCh37 (hg19) VCF-style: chr15-89876408-C-G.
Other names: c.578G>C, p.Arg193Pro (NM_001126131.2); short protein forms R193P.
Identifiers: ClinVar variation 1977085 (VCV001977085.5), dbSNP rs3176162, ClinGen allele CA393770642.
Genomic context (GRCh38, chr15:89,333,177, plus strand): 5'-ACCGCCAATGTGGGGCAAGTTCCCTCTGCCAAGCAGACCTCCACGTCGAACACCAGGGCC[C>G]GCTCCTCGGGGATGGCCACGGGTACGGCCTCCCCCTCGGGGCCGTACCGGGTCCAGCCCT-3'
Protein context (NP_002684.1, residues 183-203): EAVPVAIPEE[Arg193Pro]ALVFDVEVCL

ClinVar aggregate classification (germline): Uncertain significance (1 of 4 stars; one submission).

Conditions:
Progressive sclerosing poliodystrophy (MTDPS4A). Also called: Mitochondrial DNA Depletion Syndrome 4A; ALPERS PROGRESSIVE INFANTILE POLIODYSTROPHY; NEURONAL DEGENERATION OF CHILDHOOD WITH LIVER DISEASE, PROGRESSIVE; Mitochondrial DNA depletion syndrome 4A (Alpers type); Alpers-Huttenlocher Syndrome (AHS); Alpers Syndrome. Identifiers: Orphanet 726, MedGen C0205710, MONDO:0008758, OMIM 203700.

Submission:

Labcorp Genetics (formerly Invitae), Labcorp
Classification: Uncertain significance for Progressive sclerosing poliodystrophy. Last evaluated: 2022-07-22. Review status: criteria provided, single submitter. Criteria: Invitae Variant Classification Sherloc (09022015). Collection method: clinical testing. Allele origin: germline.
Comment: This sequence change replaces arginine, which is basic and polar, with proline, which is neutral and non-polar, at codon 193 of the POLG protein (p.Arg193Pro). This variant is not present in population databases (gnomAD no frequency). In summary, the available evidence is currently insufficient to determine the role of this variant in disease. Therefore, it has been classified as a Variant of Uncertain Significance. Algorithms developed to predict the effect of missense changes on protein structure and function output the following: SIFT: "Tolerated"; PolyPhen-2: "Benign"; Align-GVGD: "Class C0". The proline amino acid residue is found in multiple mammalian species, which suggests that this missense change does not adversely affect protein function. This variant has not been reported in the literature in individuals affected with POLG-related conditions.